The following is an entry in ClinVar:

ClinVar aggregate classification (germline): Uncertain significance (1 of 4 stars; one submission).

Allele frequency attached by ClinVar (database versions not stated): ESP Exome Variant Server 0.00015.
gnomAD v4.1: 191 of 1,614,064 alleles (0.012%); highest among the groups gnomAD compares: Admixed American, 0.015%; no homozygotes.

Submission:

Labcorp Genetics (formerly Invitae), Labcorp
Classification: Uncertain significance. Last evaluated: 2025-11-19. Review status: criteria provided, single submitter. Criteria: Invitae Variant Classification Sherloc (09022015). Collection method: clinical testing. Allele origin: germline.
Comment: This sequence change replaces serine, which is neutral and polar, with asparagine, which is neutral and polar, at codon 658 of the CEP97 protein (p.Ser658Asn). This variant is present in population databases (rs186791868, gnomAD 0.02%). This variant has not been reported in the literature in individuals affected with CEP97-related conditions. ClinVar contains an entry for this variant (Variation ID: 2158037). Invitae Evidence Modeling of protein sequence and biophysical properties (such as structural, functional, and spatial information, amino acid conservation, physicochemical variation, residue mobility, and thermodynamic stability) indicates that this missense variant is not expected to disrupt CEP97 protein function with a negative predictive value of 80%. In summary, the available evidence is currently insufficient to determine the role of this variant in disease. Therefore, it has been classified as a Variant of Uncertain Significance.

NM_024548.4(CEP97):c.1973G>A (p.Ser658Asn)

Gene: CEP97 (centrosomal protein 97; plus strand). Cytogenetic location: 3q12.3.
Variant type: single nucleotide variant.
Coding change: c.1973G>A on transcript NM_024548.4 (MANE Select); coding-DNA position 1973, G replaced by A.
Protein change: p.Ser658Asn; replaces serine 658 with asparagine.
Molecular consequence: missense variant.
Genome position (GRCh38, 1-based): chr3:101,764,926, G>A. VCF-style: chr3-101764926-G-A. GRCh37 (hg19) VCF-style: chr3-101483770-G-A.
Other names: c.1796G>A, p.Ser599Asn (NM_001303401.2); c.1871G>A, p.Ser624Asn (NM_001410784.1); c.1694G>A, p.Ser565Asn (NM_001410785.1); short protein forms S565N, S624N, S599N, S658N.
Identifiers: ClinVar variation 2158037 (VCV002158037.4), dbSNP rs186791868, ClinGen allele CA2522252.
Genomic context (GRCh38, chr3:101,764,926, plus strand): 5'-GGCAACAGACAGTGGACCAGCGTCTAAGTTCCTGGCATACTGATGTTCCTCCTATATCAA[G>A]TACTCTTGTGCCATCGAAACATCCATTATTTACCCAAAGCCAGGAGTCCTCTTGTGATCA-3'
Protein context (NP_078824.2, residues 648-668): SWHTDVPPIS[Ser658Asn]TLVPSKHPLF